The following is an entry in ClinVar:

ClinVar aggregate classification (germline): Uncertain significance (1 of 4 stars; one submission).

gnomAD v4.1: 3 of 1,613,922 alleles (0.00019%); highest among the groups gnomAD compares: Non-Finnish European, 0.00025%; no homozygotes.

Submission:

Women's Health and Genetics/Laboratory Corporation of America, LabCorp
Classification: Uncertain significance. Last evaluated: 2025-09-04. Review status: criteria provided, single submitter. Criteria: LabCorp Variant Classification Summary - May 2015. Collection method: clinical testing. Allele origin: germline.
Comment: Variant summary: SETX c.3048T>G (p.Ile1016Met) results in a conservative amino acid change in the encoded protein sequence. Algorithms developed to predict the effect of missense changes on protein structure and function are either unavailable or do not agree on the potential impact of this missense change. The variant was absent in 251142 control chromosomes. The available data on variant occurrences in the general population are insufficient to allow any conclusion about variant significance. To our knowledge, no occurrence of c.3048T>G in individuals affected with SETX-related conditions and no experimental evidence demonstrating its impact on protein function have been reported. No submitters have cited clinical-significance assessments for this variant to ClinVar. Based on the evidence outlined above, the variant was classified as uncertain significance.

NM_015046.7(SETX):c.3048T>G (p.Ile1016Met)

Gene: SETX (senataxin; minus strand). Cytogenetic location: 9q34.13.
Variant type: single nucleotide variant.
Coding change: c.3048T>G on transcript NM_015046.7 (MANE Select); coding-DNA position 3048, T replaced by G.
Protein change: p.Ile1016Met; replaces isoleucine 1016 with methionine.
Molecular consequence: missense variant.
Genome position (GRCh38, 1-based): chr9:132,328,550, A>C on the plus strand (T>G on the coding strand, the complement: SETX is on the minus strand). VCF-style: chr9-132328550-A-C. GRCh37 (hg19) VCF-style: chr9-135203937-A-C.
Other names: c.3048T>G, p.Ile1016Met (NM_001351527.2, NM_001351528.2); short protein forms I1016M.
Identifiers: ClinVar variation 4535828 (VCV004535828.1).